The following is an entry in ClinVar:

ClinVar aggregate classification (germline): Pathogenic/Likely pathogenic. Review status: criteria provided, multiple submitters, no conflicts (2 of 4 stars). 2 submissions from 2 submitters: Pathogenic (1); Likely pathogenic (1). Last evaluated 2022-10-27.

Conditions:
EYS-related disorder. Also called: EYS-related condition.

gnomAD v4.1: 2 of 1,542,610 alleles (0.00013%); highest among the groups gnomAD compares: South Asian, 0.0025%; no homozygotes.

Submissions (2):

Labcorp Genetics (formerly Invitae), Labcorp
Classification: Pathogenic. Last evaluated: 2022-10-27. Review status: criteria provided, single submitter. Criteria: Invitae Variant Classification Sherloc (09022015). Collection method: clinical testing. Allele origin: germline.
Comment: For these reasons, this variant has been classified as Pathogenic. Algorithms developed to predict the effect of sequence changes on RNA splicing suggest that this variant may disrupt the consensus splice site. This variant has not been reported in the literature in individuals affected with EYS-related conditions. This variant is not present in population databases (gnomAD no frequency). This sequence change creates a premature translational stop signal (p.Gly2566*) in the EYS gene. It is expected to result in an absent or disrupted protein product. Loss-of-function variants in EYS are known to be pathogenic (PMID: 18836446, 20333770).

Blueprint Genetics
Classification: Likely pathogenic for EYS-related disorders. Last evaluated: 2022-04-19. Review status: criteria provided, single submitter. Criteria: ACMG Guidelines, 2015. Collection method: clinical testing. Allele origin: germline. Affected: yes. Observed: 2 variant alleles.

Literature cited by the submitters: PubMed 18836446 (cited by Labcorp Genetics (formerly Invitae), Labcorp); PubMed 20333770 (cited by Labcorp Genetics (formerly Invitae), Labcorp).

NM_001142800.2(EYS):c.7696G>T (p.Gly2566Ter)

Gene: EYS (EGF-like photoreceptor maintenance factor; minus strand). Cytogenetic location: 6q12.
Variant type: single nucleotide variant.
Coding change: c.7696G>T on transcript NM_001142800.2 (MANE Select); coding-DNA position 7696, G replaced by T.
Protein change: p.Gly2566Ter; replaces glycine 2566 with a stop codon.
Molecular consequence: nonsense.
Genome position (GRCh38, 1-based): chr6:63,788,132, C>A on the plus strand (G>T on the coding strand, the complement: EYS is on the minus strand). VCF-style: chr6-63788132-C-A. GRCh37 (hg19) VCF-style: chr6-64498025-C-A.
Other names: c.7696G>T, p.Gly2566Ter (NM_001292009.2); short protein forms G2566*.
Identifiers: ClinVar variation 2981880 (VCV002981880.4), dbSNP rs2533539694, ClinGen allele CA364384819.